The following is an entry in ClinVar:

ClinVar aggregate classification (germline): Likely benign. Review status: criteria provided, multiple submitters, no conflicts (2 of 4 stars). 2 submissions from 2 submitters: Likely benign (2). Last evaluated 2025-05-24.

Conditions:
ISCU-related disorder. Also called: ISCU-related condition.

Allele frequency attached by ClinVar (database versions not stated): TOPMed 0.00003; gnomAD 0.00001; ExAC 0.00002; gnomAD exomes 0.00002.
gnomAD v4.1: 38 of 1,613,412 alleles (0.0024%); highest among the groups gnomAD compares: East Asian, 0.018%; no homozygotes.

Submissions (2):

Labcorp Genetics (formerly Invitae), Labcorp
Classification: Likely benign. Last evaluated: 2025-05-24. Review status: criteria provided, single submitter. Criteria: Invitae Variant Classification Sherloc (09022015). Collection method: clinical testing. Allele origin: germline.

PreventionGenetics, part of Exact Sciences
Classification: Likely benign for ISCU-related condition. Last evaluated: 2025-03-07. Review status: criteria provided, single submitter. Criteria: ACMG Guidelines, 2015. Collection method: clinical testing. Allele origin: germline.
Comment: This variant is classified as likely benign based on ACMG/AMP sequence variant interpretation guidelines (Richards et al. 2015 PMID: 25741868, with internal and published modifications).

NM_213595.4(ISCU):c.444C>T (p.Ala148=)

Gene: ISCU (iron-sulfur cluster assembly enzyme; plus strand). Cytogenetic location: 12q23.3.
Variant type: single nucleotide variant.
Coding change: c.444C>T on transcript NM_213595.4 (MANE Select); coding-DNA position 444, C replaced by T.
Protein change: p.Ala148=; no amino-acid change (alanine 148 retained).
Molecular consequence: synonymous variant. On other transcripts: 3 prime UTR variant (3), non-coding transcript variant (1).
Genome position (GRCh38, 1-based): chr12:108,568,856, C>T. VCF-style: chr12-108568856-C-T. GRCh37 (hg19) VCF-style: chr12-108962632-C-T.
Other names: c.*65C>T (NM_001301140.1); c.*70C>T (NM_001301141.1); c.*1152C>T (NM_001320042.1); c.369C>T, p.Ala123= (NM_014301.4); c.444C>T (NM_213595.3).
Identifiers: ClinVar variation 2181575 (VCV002181575.5), dbSNP rs764661906, ClinGen allele CA6768888.